The following is an entry in ClinVar:

NM_144997.7(FLCN):c.619-14C>T

Gene: FLCN (folliculin; minus strand). Cytogenetic location: 17p11.2.
Variant type: single nucleotide variant.
Coding change: c.619-14C>T on transcript NM_144997.7 (MANE Select); 14 bases into the intron before coding-DNA position 619, C replaced by T.
Molecular consequence: intron variant.
Genome position (GRCh38, 1-based): chr17:17,222,675, G>A on the plus strand (C>T on the coding strand, the complement: FLCN is on the minus strand). VCF-style: chr17-17222675-G-A. GRCh37 (hg19) VCF-style: chr17-17125989-G-A.
Other names: c.619-14C>T (NM_001353231.2, NM_001353230.2, NM_144606.7); c.673-14C>T (NM_001353229.2).
Identifiers: ClinVar variation 3773039 (VCV003773039.1).

ClinVar aggregate classification (germline): Likely benign (1 of 4 stars; one submission).

Conditions:
Birt-Hogg-Dube syndrome 1 (BHD1). Also called: FIBROFOLLICULOMAS WITH TRICHODISCOMAS AND ACROCHORDONS. Identifiers: Orphanet 122, MedGen CN375946, MONDO:0800445, OMIM 135150.

Submission:

Myriad Genetics, Inc.
Classification: Likely benign for Birt-Hogg-Dube syndrome 1. Last evaluated: 2024-10-23. Review status: criteria provided, single submitter. Criteria: Myriad Autosomal Dominant, Autosomal Recessive and X-Linked Classification Criteria (2023). Collection method: clinical testing. Allele origin: unknown.
Comment: This variant is considered likely benign. This variant is intronic and is not expected to impact mRNA splicing.